The following is an entry in ClinVar:

ClinVar aggregate classification (germline): Uncertain significance (1 of 4 stars; one submission).

Submission:

GeneDx
Classification: Uncertain significance. Last evaluated: 2022-04-20. Review status: criteria provided, single submitter. Criteria: GeneDx Variant Classification Process June 2021. Collection method: clinical testing. Allele origin: germline. Affected: yes.
Comment: In silico analysis supports that this missense variant has a deleterious effect on protein structure/function; Has not been previously published as pathogenic or benign to our knowledge; Not observed at significant frequency in large population cohorts (gnomAD)

NM_001205293.3(CACNA1E):c.2899G>T (p.Gly967Cys)

Gene: CACNA1E (calcium voltage-gated channel subunit alpha1 E; plus strand). Cytogenetic location: 1q25.3.
Variant type: single nucleotide variant.
Coding change: c.2899G>T on transcript NM_001205293.3 (MANE Select); coding-DNA position 2899, G replaced by T.
Protein change: p.Gly967Cys; replaces glycine 967 with cysteine.
Molecular consequence: missense variant.
Genome position (GRCh38, 1-based): chr1:181,732,985, G>T. VCF-style: chr1-181732985-G-T. GRCh37 (hg19) VCF-style: chr1-181702121-G-T.
Other names: c.2899G>T, p.Gly967Cys (NM_000721.4); c.2842G>T, p.Gly948Cys (NM_001205294.2); short protein forms G948C, G967C.
Identifiers: ClinVar variation 1676408 (VCV001676408.3), dbSNP rs2102553820, ClinGen allele CA343619441.